The following is an entry in ClinVar:

NM_000784.4(CYP27A1):c.420C>A (p.His140Gln)

Gene: CYP27A1 (cytochrome P450 family 27 subfamily A member 1; plus strand). Cytogenetic location: 2q35.
Variant type: single nucleotide variant.
Coding change: c.420C>A on transcript NM_000784.4 (MANE Select); coding-DNA position 420, C replaced by A.
Protein change: p.His140Gln; replaces histidine 140 with glutamine.
Molecular consequence: missense variant.
Genome position (GRCh38, 1-based): chr2:218,809,741, C>A. VCF-style: chr2-218809741-C-A. GRCh37 (hg19) VCF-style: chr2-219674464-C-A.
Other names: short protein forms H140Q.
Identifiers: ClinVar variation 1404697 (VCV001404697.8), dbSNP rs139415581, ClinGen allele CA350584016.

ClinVar aggregate classification (germline): Uncertain significance (1 of 4 stars; one submission).

Conditions:
Cholestanol storage disease (CTX). Also called: Cerebrotendinous Xanthomatosis; CTX: Cerebrotendinous xanthomatosis; CEREBRAL CHOLESTERINOSIS. Identifiers: Orphanet 909, MedGen C0238052, MONDO:0008948, OMIM 213700.

gnomAD v4.1: 1 of 1,613,892 alleles (0.000062%); highest among the groups gnomAD compares: Non-Finnish European, 0.000085%; no homozygotes.

Submission:

Labcorp Genetics (formerly Invitae), Labcorp
Classification: Uncertain significance for Cholestanol storage disease. Last evaluated: 2022-07-26. Review status: criteria provided, single submitter. Criteria: Invitae Variant Classification Sherloc (09022015). Collection method: clinical testing. Allele origin: germline.
Comment: This sequence change replaces histidine, which is basic and polar, with glutamine, which is neutral and polar, at codon 140 of the CYP27A1 protein (p.His140Gln). This variant is not present in population databases (gnomAD no frequency). This variant has not been reported in the literature in individuals affected with CYP27A1-related conditions. ClinVar contains an entry for this variant (Variation ID: 1404697). Advanced modeling of protein sequence and biophysical properties (such as structural, functional, and spatial information, amino acid conservation, physicochemical variation, residue mobility, and thermodynamic stability) performed at Invitae indicates that this missense variant is not expected to disrupt CYP27A1 protein function. In summary, the available evidence is currently insufficient to determine the role of this variant in disease. Therefore, it has been classified as a Variant of Uncertain Significance.